The following is an entry in ClinVar:

ClinVar aggregate classification (germline): Pathogenic. Review status: reviewed by expert panel (3 of 4 stars). 28 submissions from 28 submitters: Pathogenic (1). 27 of the submissions do not count toward it. Last evaluated 2015-08-10.

Conditions:
Inherited breast cancer and ovarian cancer.
BRCA1-related cancer predisposition. Identifiers: MedGen CN377757, MONDO:0700268.
BRCA1-related disorder. Also called: BRCA1-related condition.
Breast and/or ovarian cancer. Identifiers: MedGen CN221562.
Hereditary cancer-predisposing syndrome. Also called: Neoplastic Syndromes, Hereditary; Tumor predisposition; Hereditary neoplastic syndrome; Hereditary Cancer Syndrome. Identifiers: Orphanet 140162, MedGen C0027672, MeSH D009386, MONDO:0015356.
Hereditary breast ovarian cancer syndrome. Also called: Breast and ovarian cancer; Hereditary breast and/or ovarian cancer syndrome; Hereditary breast and ovarian cancer syndrome (HBOC); Hereditary breast and ovarian cancer; Hereditary breast and ovarian cancer syndrome; BRCA1- and BRCA2-Associated Hereditary Breast and Ovarian Cancer. Identifiers: Orphanet 145, MedGen C0677776, MeSH D061325, MONDO:0003582. Disease mechanism: loss of function.
Breast-ovarian cancer, familial, susceptibility to, 1 (BROVCA1). Also called: BRCA1 Hereditary Breast and Ovarian Cancer; OVARIAN CANCER, SUSCEPTIBILITY TO. Identifiers: Orphanet 145, MedGen C2676676, MONDO:0011450, OMIM 604370. Disease mechanism: loss of function.

Allele frequency attached by ClinVar (database versions not stated): gnomAD exomes 0.00001; TOPMed 0.00003; gnomAD 0.00001.

Submissions 1 to 9 of 29:

Evidence-based Network for the Interpretation of Germline Mutant Alleles (ENIGMA)
Classification: Pathogenic for Breast-ovarian cancer, familial 1. Last evaluated: 2015-08-10. Review status: reviewed by expert panel. Criteria: ENIGMA BRCA1/2 Classification Criteria (2015). Collection method: curation. Allele origin: germline.
Comment: IARC class based on posterior probability from multifactorial likelihood analysis, thresholds for class as per Plon et al. 2008 (PMID: 18951446). Class 5 based on posterior probability = 1

Genetics Laboratory, Great Ormond Street Hospital NHS Foundation Trust, North Thames Genomic Laboratory Hub
Classification: Pathogenic for Inherited breast cancer and ovarian cancer. Last evaluated: 2026-03-06. Review status: criteria provided, single submitter. Criteria: CanVIG BRCA Gene Specific V1.22. Collection method: clinical testing. Allele origin: germline. Affected: yes. Not counted in ClinVar's aggregate classification.
Comment: PS4_supporting, PM2_supporting, PP3_supporting, PS3_strong, PP1_supporting, PP4_strong

Labcorp Genetics (formerly Invitae), Labcorp
Classification: Pathogenic for Hereditary breast ovarian cancer syndrome. Last evaluated: 2025-12-15. Review status: criteria provided, single submitter. Criteria: Invitae Variant Classification Sherloc (09022015). Collection method: clinical testing. Allele origin: germline. Not counted in ClinVar's aggregate classification.
Comment: This sequence change replaces methionine, which is neutral and non-polar, with arginine, which is basic and polar, at codon 1775 of the BRCA1 protein (p.Met1775Arg). This variant is present in population databases (rs41293463, gnomAD 0.02%). This missense change has been observed in individual(s) with breast cancer (PMID: 7545954, 7939630, 22144684). It has also been observed to segregate with disease in related individuals. ClinVar contains an entry for this variant (Variation ID: 17694). Invitae Evidence Modeling incorporating data from in vitro experimental studies (PMID: 30209399) indicates that this missense variant is expected to disrupt BRCA1 function with a positive predictive value of 95%. Experimental studies have shown that this missense change affects BRCA1 function (PMID: 12400015, 14534301, 19493677, 20516115, 23161852). RNA analysis performed to evaluate the impact of this missense change on mRNA splicing indicates it does not significantly alter splicing (internal data). For these reasons, this variant has been classified as Pathogenic.

PreventionGenetics, part of Exact Sciences
Classification: Pathogenic for BRCA1-related condition. Last evaluated: 2025-09-04. Review status: criteria provided, single submitter. Criteria: ACMG Guidelines, 2015. Collection method: clinical testing. Allele origin: germline. Not counted in ClinVar's aggregate classification.
Comment: The BRCA1 c.5324T>G variant is predicted to result in the amino acid substitution p.Met1775Arg. This variant has been reported in multiple individuals with breast and/or ovarian cancer (Miki et al. 1994. PubMed ID: 7545954; Hall et al. 2009. PubMed ID: 19241424; Fackenthal et al. 2012. PubMed ID: 22034289; Zheng et al. 2018. PubMed ID: 30130155; Carter et al. 2018. PubMed ID: 30322717; George et al. 2021. PubMed ID: 33646313). In vitro studies demonstrate that this variant disrupts BRCA1 protein function (Clapperton et al. 2004. PubMed ID: 15133502; Phelan et al. 2005. PubMed ID: 15689452; Varma et al. 2005. PubMed ID: 16101277; Nikolopoulos et al. 2007. PubMed ID: 17493881; Findlay et al. 2018. PubMed ID: 30209399; Fernandes et al. 2019. PubMed ID: 30765603). This variant is located within the C-terminal BRCT domain of the BRCA1 gene, which is predicted to be a hot spot for missense variation (Dines et al. 2020. PubMed ID: 31911673). Another missense variant at the same amino acid residue (p.Met1775Lys) has also been reported in patients with hereditary cancer and was shown to be functionally damaging (Tischkowitz et al. 2008. PubMed ID: 18285836; Drikos et al. 2009. PubMed ID: 19452558; Findlay et al. 2018. PubMed ID: 30209399; Southey et al. 2021. PubMed ID: 34887416). This variant is reported in 0.016% of alleles in individuals of African descent in gnomAD and has been interpreted as pathogenic by multiple clinical laboratories in ClinVar (Variation ID: 17694). This variant is interpreted as pathogenic.

Mayo Clinic Laboratories, Mayo Clinic
Classification: Pathogenic. Last evaluated: 2025-03-04. Review status: criteria provided, single submitter. Criteria: ACMG Guidelines, 2015. Collection method: clinical testing. Allele origin: germline. Observed: 1 variant allele. Not counted in ClinVar's aggregate classification.
Comment: PP1, PP4_very_strong, PS3

Color Diagnostics, LLC DBA Color Health
Classification: Pathogenic for Hereditary cancer-predisposing syndrome. Last evaluated: 2025-01-14. Review status: criteria provided, single submitter. Criteria: ACMG Guidelines, 2015. Collection method: clinical testing. Allele origin: germline. Not counted in ClinVar's aggregate classification.
Comment: This missense variant replaces methionine with arginine at codon 1775 of the BRCA1 protein. Computational prediction suggests that this variant may have deleterious impact on protein structure and function. Functional studies have shown that this variant impacts BRCA1 function in homology-directed DNA repair, transcription activation, haploid cell proliferation, sensitivity to cisplatin, PARP inhibitors and protease, and protein-protein binding assays (PMID: 8942979, 9738006, 11301010, 12427738, 15689452, 23161852, 30209399, 30257991, 30765603, 32546644). This variant has been reported as a recurring mutation and detected in multiple individuals affected with breast and/or ovarian cancer (PMID: 7837387, 7939630, 18284688, 19491284, 20104584, 24240112, 26287763, 27469594, 29337092, 34204722). This variant also has been reported to segregate with disease in a large pedigree with 24 cases of breast and ovarian cancer (PMID: 7545954, 31853058). This variant has been identified in 4/282786 chromosomes in the general population by the Genome Aggregation Database (gnomAD). Based on the available evidence, this variant is classified as Pathogenic.

Molecular Pathology, Peter Maccallum Cancer Centre
Classification: Pathogenic for Breast-ovarian cancer, familial, susceptibility to, 1. Last evaluated: 2025-01-06. Review status: criteria provided, single submitter. Criteria: ACMG Guidelines, 2015. Collection method: clinical testing. Allele origin: germline. Inheritance: Autosomal dominant inheritance. Not counted in ClinVar's aggregate classification.

Cambridge Genomics Laboratory, East Genomic Laboratory Hub, NHS Genomic Medicine Service
Classification: Pathogenic for Inherited breast cancer and ovarian cancer. Last evaluated: 2024-12-10. Review status: criteria provided, single submitter. Criteria: ACGS Best Practice Guidelines for Variant Classification in Rare Disease 2020. Collection method: clinical testing. Allele origin: germline. Affected: yes. Not counted in ClinVar's aggregate classification.
Comment: PS3,PS4_Supporting,PM1,PM2_Supporting,PM5,PP3,PP4_Strong

Institute of Human Genetics, University of Leipzig Medical Center
Classification: Likely pathogenic for Breast-ovarian cancer, familial, susceptibility to, 1. Last evaluated: 2024-06-25. Review status: criteria provided, single submitter. Criteria: ACMG Guidelines, 2015. Collection method: clinical testing. Allele origin: unknown. Inheritance: Autosomal dominant inheritance. Affected: yes. Not counted in ClinVar's aggregate classification.
Comment: Criteria applied: PS3,PP4_STR, PP3

NM_007294.4(BRCA1):c.5324T>G (p.Met1775Arg)

Gene: BRCA1 (BRCA1 DNA repair associated; minus strand). Cytogenetic location: 17q21.31.
Variant type: single nucleotide variant.
Coding change: c.5324T>G on transcript NM_007294.4 (MANE Select); coding-DNA position 5324, T replaced by G.
Protein change: p.Met1775Arg; replaces methionine 1775 with arginine.
Molecular consequence: missense variant. On other transcripts: non-coding transcript variant (1).
Genome position (GRCh38, 1-based): chr17:43,051,071, A>C on the plus strand (T>G on the coding strand, the complement: BRCA1 is on the minus strand). VCF-style: chr17-43051071-A-C. GRCh37 (hg19) VCF-style: chr17-41203088-A-C.
Other names: p.M1775R:ATG>AGG; 5443T>G; c.5111T>G, p.Met1704Arg (NM_001407571.1, NM_001407894.1, NM_001407895.1 and 12 more transcripts); c.5390T>G, p.Met1797Arg (NM_001407581.1, NM_001407582.1); c.5387T>G, p.Met1796Arg (NM_001407583.1, NM_001407585.1, NM_001407587.1 and 1 more transcripts); c.5384T>G, p.Met1795Arg (NM_001407590.1, NM_001407591.1); c.5324T>G, p.Met1775Arg (NM_001407593.1, NM_001407594.1, NM_001407596.1 and 6 more transcripts); c.5321T>G, p.Met1774Arg (NM_001407619.1, NM_001407620.1, NM_001407621.1 and 17 more transcripts); and 74 more; short protein forms M1775R, M1728R, M1796R, M671R, M1478R, M1647R, M1663R, M1686R.
Identifiers: ClinVar variation 17694 (VCV000017694.52), dbSNP rs41293463, ClinGen allele CA003478.
Genomic context (GRCh38, chr17:43,051,071, plus strand): 5'-TATGTAAGACAAAGGCTGGTGCTGGAACTCTGGGGTTCTCCCAGGCTCTTACCTGTGGGC[A>C]TGTTGGTGAAGGGCCCATAGCAACAGATTTCTAGCCCCCTGAAGATCTGGAAGAAGAGAG-3'
Protein context (NP_009225.1, residues 1765-1785): EICCYGPFTN[Met1775Arg]PTDQLEWMVQ